The following is an entry in ClinVar:

NC_000001.10:g.(?_200613164)_(200613646_200617566)del

Gene: DDX59 (DEAD-box helicase 59; minus strand). Cytogenetic location: 1q32.1.
Variant type: Deletion.
Identifiers: ClinVar variation 4689396 (VCV004689396.1).

ClinVar aggregate classification (germline): Pathogenic (1 of 4 stars; one submission).

Conditions:
Orofaciodigital syndrome V. Also called: OFDS V; ORAL-FACIAL-DIGITAL SYNDROME, TYPE V; OROFACIODIGITAL SYNDROME, THURSTON TYPE; THURSTON SYNDROME. Identifiers: Orphanet 2919, MedGen C1868118, MONDO:0008267, OMIM 174300.

Submission:

Women's Health and Genetics/Laboratory Corporation of America, LabCorp
Classification: Pathogenic for Orofaciodigital syndrome V. Last evaluated: 2026-01-14. Review status: criteria provided, single submitter. Criteria: LabCorp Variant Classification Summary - May 2015. Collection method: clinical testing. Allele origin: germline.
Comment: Variant summary: The variant involves the deletion of exon 8 in the DDX59 gene. A presumed nomenclature of c.(1596+1_1597-1)_(*218_?)del has been designated for the purposes of this classification. The exact breakpoint at the distal 3' end of this variant is unknown, therefore this deletion may extend downstream of the annotated region of the gene. As it encompasses the termination codon, it is predicted to escape nonsense mediated decay (NMD). Loss-of-function variants in this gene are known to be pathogenic. The variant was absent in 21694 control chromosomes. The available data on variant occurrences in the general population are insufficient to allow any conclusion about variant significance. To our knowledge, no occurrence of c.(1596+1_1597-1)_(*218_?)del in individuals affected with DDX59-related conditions and no experimental evidence demonstrating its impact on protein function have been reported. However, a downstream missense variant, c.1600G>A p.Gly534Arg, in the deleted region has been observed in homozygous state in multiple individuals with DDX59-related Orofaciodigital syndrome V (PMID: 23972372, 37644014). No submitters have cited clinical-significance assessments for this variant to ClinVar. Based on the evidence outlined above, the variant was classified as pathogenic.